The following is an entry in ClinVar:

ClinVar aggregate classification (germline): Conflicting classifications of pathogenicity. Review status: criteria provided, conflicting classifications (1 of 4 stars). 8 submissions from 8 submitters: Uncertain significance (6); Likely benign (2). Last evaluated 2025-11-05.

Conditions:
Hereditary cancer-predisposing syndrome. Also called: Tumor predisposition; Hereditary Cancer Syndrome; Hereditary neoplastic syndrome; Neoplastic Syndromes, Hereditary. Identifiers: Orphanet 140162, MedGen C0027672, MeSH D009386, MONDO:0015356.
Hereditary breast ovarian cancer syndrome. Also called: BRCA1- and BRCA2-Associated Hereditary Breast and Ovarian Cancer; Hereditary breast and ovarian cancer; Hereditary breast and ovarian cancer syndrome; Hereditary breast and ovarian cancer syndrome (HBOC); Breast and ovarian cancer; Hereditary breast and/or ovarian cancer syndrome. Identifiers: Orphanet 145, MedGen C0677776, MeSH D061325, MONDO:0003582. Disease mechanism: loss of function.
Breast-ovarian cancer, familial, susceptibility to, 1 (BROVCA1). Also called: OVARIAN CANCER, SUSCEPTIBILITY TO; BRCA1 Hereditary Breast and Ovarian Cancer. Identifiers: Orphanet 145, MedGen C2676676, MONDO:0011450, OMIM 604370. Disease mechanism: loss of function.

Submissions (8):

Ambry Genetics
Classification: Uncertain significance for Hereditary cancer-predisposing syndrome. Last evaluated: 2025-11-05. Review status: criteria provided, single submitter. Criteria: Ambry Variant Classification Scheme 2023. Collection method: clinical testing. Allele origin: germline.
Comment: The p.L431I variant (also known as c.1291T>A), located in coding exon 9 of the BRCA1 gene, results from a T to A substitution at nucleotide position 1291. The leucine at codon 431 is replaced by isoleucine, an amino acid with highly similar properties. This amino acid position is well conserved in available vertebrate species. In addition, the in silico prediction for this alteration is inconclusive. Based on the available evidence, the clinical significance of this variant remains unclear.

Labcorp Genetics (formerly Invitae), Labcorp
Classification: Uncertain significance for Hereditary breast ovarian cancer syndrome. Last evaluated: 2025-04-14. Review status: criteria provided, single submitter. Criteria: Invitae Variant Classification Sherloc (09022015). Collection method: clinical testing. Allele origin: germline.
Comment: This sequence change replaces leucine, which is neutral and non-polar, with isoleucine, which is neutral and non-polar, at codon 431 of the BRCA1 protein (p.Leu431Ile). This variant is not present in population databases (gnomAD no frequency). This variant has not been reported in the literature in individuals affected with BRCA1-related conditions. ClinVar contains an entry for this variant (Variation ID: 577812). Invitae Evidence Modeling of protein sequence and biophysical properties (such as structural, functional, and spatial information, amino acid conservation, physicochemical variation, residue mobility, and thermodynamic stability) indicates that this missense variant is not expected to disrupt BRCA1 protein function with a negative predictive value of 80%. In summary, the available evidence is currently insufficient to determine the role of this variant in disease. Therefore, it has been classified as a Variant of Uncertain Significance.

Center for Genomic Medicine, Rigshospitalet, Copenhagen University Hospital
Classification: Uncertain significance. Last evaluated: 2025-03-04. Review status: criteria provided, single submitter. Criteria: ACMG Guidelines, 2015. Collection method: clinical testing. Allele origin: germline.

Myriad Genetics, Inc.
Classification: Likely benign for Breast-ovarian cancer, familial, susceptibility to, 1. Last evaluated: 2024-07-16. Review status: criteria provided, single submitter. Criteria: Myriad Autosomal Dominant, Autosomal Recessive and X-Linked Classification Criteria (2023). Collection method: clinical testing. Allele origin: unknown.
Comment: This variant is considered likely benign. This variant is strongly associated with less severe personal and family histories of cancer, typical for individuals without pathogenic variants in this gene [PMID: 25085752].

GeneDx
Classification: Uncertain significance. Last evaluated: 2023-10-17. Review status: criteria provided, single submitter. Criteria: GeneDx Variant Classification Process June 2021. Collection method: clinical testing. Allele origin: germline. Affected: yes.
Comment: Not observed at significant frequency in large population cohorts (gnomAD); In silico analysis supports that this missense variant does not alter protein structure/function; Has not been previously published as pathogenic or benign to our knowledge; Also known as 1410T>A; This variant is associated with the following publications: (PMID: 10426999, 20215511, 15343273, 9926942, 9582019, 32377563, 29884841)

University of Washington Department of Laboratory Medicine, University of Washington
Classification: Likely benign for Hereditary cancer-predisposing syndrome. Last evaluated: 2023-03-23. Review status: criteria provided, single submitter. Criteria: Dines et al. (Genet Med. 2020). Collection method: curation. Allele origin: germline.
Comment: Missense variant in a coldspot region where missense variants are very unlikely to be pathogenic (PMID:31911673).

BRCA1 coldspot (exon 11 using historical exon numbering). Reclassification based on statistical prior probability

Color Diagnostics, LLC DBA Color Health
Classification: Uncertain significance for Hereditary cancer-predisposing syndrome. Last evaluated: 2022-07-12. Review status: criteria provided, single submitter. Criteria: ACMG Guidelines, 2015. Collection method: clinical testing. Allele origin: germline.
Comment: This missense variant replaces leucine with isoleucine at codon 431 of the BRCA1 protein. Computational prediction is inconclusive regarding the impact of this variant on protein structure and function (internally defined REVEL score threshold 0.5 < inconclusive < 0.7, PMID: 27666373). To our knowledge, functional studies have not been reported for this variant. This variant has not been reported in individuals affected with hereditary cancer in the literature. This variant has not been identified in the general population by the Genome Aggregation Database (gnomAD). The available evidence is insufficient to determine the role of this variant in disease conclusively. Therefore, this variant is classified as a Variant of Uncertain Significance.

CeGaT Center for Human Genetics Tuebingen
Classification: Uncertain significance. Last evaluated: 2021-05-01. Review status: criteria provided, single submitter. Criteria: CeGaT Center For Human Genetics Tuebingen Variant Classification Criteria Version 2. Collection method: clinical testing. Allele origin: germline. Affected: yes. Observed: 1 variant allele.

Literature cited by the submitters: PubMed 25085752 (cited by Myriad Genetics, Inc.).

NM_007294.4(BRCA1):c.1291T>A (p.Leu431Ile)

Gene: BRCA1 (BRCA1 DNA repair associated; minus strand). Cytogenetic location: 17q21.31.
Variant type: single nucleotide variant.
Coding change: c.1291T>A on transcript NM_007294.4 (MANE Select); coding-DNA position 1291, T replaced by A.
Protein change: p.Leu431Ile; replaces leucine 431 with isoleucine.
Molecular consequence: missense variant. On other transcripts: intron variant (137).
Genome position (GRCh38, 1-based): chr17:43,094,240, A>T on the plus strand (T>A on the coding strand, the complement: BRCA1 is on the minus strand). VCF-style: chr17-43094240-A-T. GRCh37 (hg19) VCF-style: chr17-41246257-A-T.
Other names: c.1291T>A, p.Leu431Ile (NM_001407602.1, NM_001407603.1, NM_001407605.1 and 30 more transcripts); c.1288T>A, p.Leu430Ile (NM_001407610.1, NM_001407611.1, NM_001407612.1 and 22 more transcripts); c.1282T>A, p.Leu428Ile (NM_001407646.1, NM_001407647.1); c.1168T>A, p.Leu390Ile (NM_001407648.1, NM_001407667.1, NM_001407668.1 and 19 more transcripts); c.1165T>A, p.Leu389Ile (NM_001407649.1, NM_001407670.1, NM_001407671.1 and 11 more transcripts); c.1213T>A, p.Leu405Ile (NM_001407653.1, NM_001407654.1, NM_001407655.1 and 4 more transcripts); c.1150T>A, p.Leu384Ile (NM_001407692.1, NM_001407694.1, NM_001407695.1 and 29 more transcripts); c.1147T>A, p.Leu383Ile (NM_001407740.1, NM_001407838.1, NM_001407839.1 and 20 more transcripts); and 40 more; short protein forms L431I, L384I, L135I, L303I, L342I, L361I, L363I, L389I.
Identifiers: ClinVar variation 577812 (VCV000577812.54), dbSNP rs960381964, ClinGen allele CA10599472.